The following is an entry in ClinVar:

NM_016373.4(WWOX):c.449A>C (p.His150Pro)

Gene: WWOX (WW domain containing oxidoreductase; plus strand). Cytogenetic location: 16q23.1.
Variant type: single nucleotide variant.
Coding change: c.449A>C on transcript NM_016373.4 (MANE Select); coding-DNA position 449, A replaced by C.
Protein change: p.His150Pro; replaces histidine 150 with proline.
Molecular consequence: missense variant. On other transcripts: non-coding transcript variant (1).
Genome position (GRCh38, 1-based): chr16:78,164,222, A>C. VCF-style: chr16-78164222-A-C. GRCh37 (hg19) VCF-style: chr16-78198119-A-C.
Other names: c.110A>C, p.His37Pro (NM_001291997.2); c.449A>C, p.His150Pro (NM_130791.5); short protein forms H150P, H37P.
Identifiers: ClinVar variation 3366917 (VCV003366917.1).

ClinVar aggregate classification (germline): Uncertain significance (1 of 4 stars; one submission).

Conditions:
Developmental and epileptic encephalopathy, 28 (DEE28). Also called: Epileptic encephalopathy, early infantile, 28. Identifiers: Orphanet 442835, MedGen C4015519, MONDO:0014533, OMIM 616211.

gnomAD v4.1: 12 of 1,614,120 alleles (0.00074%); highest among the groups gnomAD compares: Non-Finnish European, 0.001%; no homozygotes.

Submission:

Kids Research, The Children's Hospital at Westmead
Classification: Uncertain significance for Developmental and epileptic encephalopathy, 28. Last evaluated: 2024-09-20. Review status: criteria provided, single submitter. Criteria: ACMG Guidelines, 2015. Collection method: research. Allele origin: germline. Affected: yes.
Comment: PM2, PP3, PM3